The following is an entry in ClinVar:

NM_018474.6(KIZ):c.1046A>G (p.His349Arg)

Gene: KIZ (kizuna centrosomal protein; plus strand). Cytogenetic location: 20p11.23.
Variant type: single nucleotide variant.
Coding change: c.1046A>G on transcript NM_018474.6 (MANE Select); coding-DNA position 1046, A replaced by G.
Protein change: p.His349Arg; replaces histidine 349 with arginine.
Molecular consequence: missense variant.
Genome position (GRCh38, 1-based): chr20:21,162,853, A>G. VCF-style: chr20-21162853-A-G. GRCh37 (hg19) VCF-style: chr20-21143494-A-G.
Other names: c.737A>G, p.His246Arg (NM_001163022.3, NM_001352435.2); c.647A>G, p.His216Arg (NM_001163023.3); c.899A>G, p.His300Arg (NM_001276389.2); c.1046A>G, p.His349Arg (NM_001352434.2); c.704A>G, p.His235Arg (NM_001352436.2); short protein forms H235R, H349R, H246R, H300R, H216R.
Identifiers: ClinVar variation 1523801 (VCV001523801.6), dbSNP rs1457397249, ClinGen allele CA408493301.

ClinVar aggregate classification (germline): Uncertain significance (1 of 4 stars; one submission).

Allele frequency attached by ClinVar (database versions not stated): gnomAD exomes below 0.00001; gnomAD 0.00001.
gnomAD v4.1: 2 of 1,611,406 alleles (0.00012%); highest among the groups gnomAD compares: South Asian, 0.0022%; no homozygotes.

Submission:

Labcorp Genetics (formerly Invitae), Labcorp
Classification: Uncertain significance. Last evaluated: 2022-03-19. Review status: criteria provided, single submitter. Criteria: Invitae Variant Classification Sherloc (09022015). Collection method: clinical testing. Allele origin: germline.
Comment: This sequence change replaces histidine, which is basic and polar, with arginine, which is basic and polar, at codon 349 of the KIZ protein (p.His349Arg). This variant is present in population databases (no rsID available, gnomAD 0.003%). This variant has not been reported in the literature in individuals affected with KIZ-related conditions. Experimental studies and prediction algorithms are not available or were not evaluated, and the functional significance of this variant is currently unknown. In summary, the available evidence is currently insufficient to determine the role of this variant in disease. Therefore, it has been classified as a Variant of Uncertain Significance.